The following is an entry in ClinVar:

ClinVar aggregate classification (germline): Uncertain significance. Review status: criteria provided, multiple submitters, no conflicts (2 of 4 stars). 2 submissions from 2 submitters: Uncertain significance (2). Last evaluated 2022-11-18.

Conditions:
Inborn genetic diseases. Identifiers: MedGen C0950123, MeSH D030342.

gnomAD v4.1: 1 of 1,591,246 alleles (0.000063%); highest among the groups gnomAD compares: Non-Finnish European, 0.000085%; no homozygotes.

Submissions (2):

Ambry Genetics
Classification: Uncertain significance for Inborn genetic diseases. Last evaluated: 2022-11-18. Review status: criteria provided, single submitter. Criteria: Ambry Variant Classification Scheme 2023. Collection method: clinical testing. Allele origin: germline.

Labcorp Genetics (formerly Invitae), Labcorp
Classification: Uncertain significance. Last evaluated: 2022-08-21. Review status: criteria provided, single submitter. Criteria: Invitae Variant Classification Sherloc (09022015). Collection method: clinical testing. Allele origin: germline.
Comment: In summary, the available evidence is currently insufficient to determine the role of this variant in disease. Therefore, it has been classified as a Variant of Uncertain Significance. Algorithms developed to predict the effect of missense changes on protein structure and function (SIFT, PolyPhen-2, Align-GVGD) all suggest that this variant is likely to be tolerated. This variant has not been reported in the literature in individuals affected with ITGA8-related conditions. This variant is present in population databases (no rsID available, gnomAD 0.002%). This sequence change replaces valine, which is neutral and non-polar, with leucine, which is neutral and non-polar, at codon 523 of the ITGA8 protein (p.Val523Leu).

NM_003638.3(ITGA8):c.1567G>C (p.Val523Leu)

Gene: ITGA8 (integrin subunit alpha 8; minus strand). Cytogenetic location: 10p13.
Variant type: single nucleotide variant.
Coding change: c.1567G>C on transcript NM_003638.3 (MANE Select); coding-DNA position 1567, G replaced by C.
Protein change: p.Val523Leu; replaces valine 523 with leucine.
Molecular consequence: missense variant.
Genome position (GRCh38, 1-based): chr10:15,608,277, C>G on the plus strand (G>C on the coding strand, the complement: ITGA8 is on the minus strand). VCF-style: chr10-15608277-C-G. GRCh37 (hg19) VCF-style: chr10-15650276-C-G.
Other names: c.1522G>C, p.Val508Leu (NM_001291494.2); short protein forms V523L, V508L.
Identifiers: ClinVar variation 1901893 (VCV001901893.6), dbSNP rs759457352, ClinGen allele CA203493247.